The following is an entry in ClinVar:

ClinVar aggregate classification (germline): Uncertain significance (1 of 4 stars; one submission).

gnomAD v4.1: 2 of 1,606,060 alleles (0.00012%); highest among the groups gnomAD compares: South Asian, 0.0022%; no homozygotes.

Submission:

Labcorp Genetics (formerly Invitae), Labcorp
Classification: Uncertain significance. Last evaluated: 2025-10-08. Review status: criteria provided, single submitter. Criteria: Invitae Variant Classification Sherloc (09022015). Collection method: clinical testing. Allele origin: germline.
Comment: This sequence change replaces isoleucine, which is neutral and non-polar, with valine, which is neutral and non-polar, at codon 1079 of the TOP2B protein (p.Ile1079Val). This variant is not present in population databases (gnomAD no frequency). This variant has not been reported in the literature in individuals affected with TOP2B-related conditions. An algorithm developed to predict the effect of missense changes on protein structure and function (PolyPhen-2) suggests that this variant is likely to be tolerated. In summary, the available evidence is currently insufficient to determine the role of this variant in disease. Therefore, it has been classified as a Variant of Uncertain Significance.

NM_001330700.2(TOP2B):c.3250A>G (p.Ile1084Val)

Gene: TOP2B (DNA topoisomerase II beta; minus strand). Cytogenetic location: 3p24.2.
Variant type: single nucleotide variant.
Coding change: c.3250A>G on transcript NM_001330700.2 (MANE Select); coding-DNA position 3250, A replaced by G.
Protein change: p.Ile1084Val; replaces isoleucine 1084 with valine.
Molecular consequence: missense variant.
Genome position (GRCh38, 1-based): chr3:25,618,663, T>C on the plus strand (A>G on the coding strand, the complement: TOP2B is on the minus strand). VCF-style: chr3-25618663-T-C. GRCh37 (hg19) VCF-style: chr3-25660154-T-C.
Other names: c.3235A>G, p.Ile1079Val (NM_001068.3); short protein forms I1079V, I1084V.
Identifiers: ClinVar variation 4797753 (VCV004797753.1).